The following is an entry in ClinVar:

NM_080732.4(EGLN2):c.752G>C (p.Arg251Pro)

Genes: RAB4B-EGLN2 (RAB4B-EGLN2 readthrough (NMD candidate); plus strand), EGLN2 (egl-9 family hypoxia inducible factor 2; plus strand). Cytogenetic location: 19q13.2.
Variant type: single nucleotide variant.
Coding change: c.752G>C on transcript NM_080732.4 (MANE Select); coding-DNA position 752, G replaced by C.
Protein change: p.Arg251Pro; replaces arginine 251 with proline.
Molecular consequence: missense variant. On other transcripts: non-coding transcript variant (1).
Genome position (GRCh38, 1-based): chr19:40,801,324, G>C. VCF-style: chr19-40801324-G-C. GRCh37 (hg19) VCF-style: chr19-41307229-G-C.
Other names: c.752G>C, p.Arg251Pro (NM_053046.4); short protein forms R251P.
Identifiers: ClinVar variation 1759375 (VCV001759375.3), dbSNP rs770688943, ClinGen allele CA405955906.

ClinVar aggregate classification (germline): Uncertain significance (1 of 4 stars; one submission).

Allele frequency attached by ClinVar (database versions not stated): TOPMed below 0.00001.
gnomAD v4.1: 1 of 1,612,686 alleles (0.000062%); highest among the groups gnomAD compares: Admixed American, 0.0017%; no homozygotes.

Submission:

Ambry Genetics
Classification: Uncertain significance. Last evaluated: 2024-04-01. Review status: criteria provided, single submitter. Criteria: Ambry Variant Classification Scheme 2023. Collection method: clinical testing. Allele origin: germline.
Comment: The p.R251P variant (also known as c.752G>C), located in coding exon 1 of the EGLN2 gene, results from a G to C substitution at nucleotide position 752. The arginine at codon 251 is replaced by proline, an amino acid with dissimilar properties. This amino acid position is conserved. In addition, the in silico prediction for this alteration is inconclusive. Since supporting evidence is limited at this time, the clinical significance of this alteration remains unclear.